The following is an entry in ClinVar:

ClinVar aggregate classification (germline): Uncertain significance. Review status: criteria provided, multiple submitters, no conflicts (2 of 4 stars). 2 submissions from 2 submitters: Uncertain significance (2). Last evaluated 2025-06-26.

Conditions:
Inborn genetic diseases. Identifiers: MedGen C0950123, MeSH D030342.
Familial hemophagocytic lymphohistiocytosis 5. Also called: STXBP2-Related Familial Hemophagocytic Lymphohistiocytosis (STXBP2-fHLH). Identifiers: Orphanet 540, MedGen C2751293, MONDO:0013135, OMIM 613101.

Allele frequency attached by ClinVar (database versions not stated): TOPMed 0.00002.

Submissions (2):

Labcorp Genetics (formerly Invitae), Labcorp
Classification: Uncertain significance for Familial hemophagocytic lymphohistiocytosis 5. Last evaluated: 2025-06-26. Review status: criteria provided, single submitter. Criteria: Invitae Variant Classification Sherloc (09022015). Collection method: clinical testing. Allele origin: germline.
Comment: This sequence change replaces tyrosine, which is neutral and polar, with cysteine, which is neutral and slightly polar, at codon 154 of the STXBP2 protein (p.Tyr154Cys). This variant is not present in population databases (gnomAD no frequency). This variant has not been reported in the literature in individuals affected with STXBP2-related conditions. ClinVar contains an entry for this variant (Variation ID: 1398912). Invitae Evidence Modeling of protein sequence and biophysical properties (such as structural, functional, and spatial information, amino acid conservation, physicochemical variation, residue mobility, and thermodynamic stability) indicates that this missense variant is not expected to disrupt STXBP2 protein function with a negative predictive value of 95%. In summary, the available evidence is currently insufficient to determine the role of this variant in disease. Therefore, it has been classified as a Variant of Uncertain Significance.

Ambry Genetics
Classification: Uncertain significance for Inborn genetic diseases. Last evaluated: 2024-12-20. Review status: criteria provided, single submitter. Criteria: Ambry Variant Classification Scheme 2023. Collection method: clinical testing. Allele origin: germline.

NM_006949.4(STXBP2):c.461A>G (p.Tyr154Cys)

Gene: STXBP2 (syntaxin binding protein 2; plus strand). Cytogenetic location: 19p13.2.
Variant type: single nucleotide variant.
Coding change: c.461A>G on transcript NM_006949.4 (MANE Select); coding-DNA position 461, A replaced by G.
Protein change: p.Tyr154Cys; replaces tyrosine 154 with cysteine.
Molecular consequence: missense variant. On other transcripts: non-coding transcript variant (1).
Genome position (GRCh38, 1-based): chr19:7,641,736, A>G. VCF-style: chr19-7641736-A-G. GRCh37 (hg19) VCF-style: chr19-7706622-A-G.
Other names: c.452A>G, p.Tyr151Cys (NM_001127396.3); c.494A>G, p.Tyr165Cys (NM_001272034.2); c.461A>G (NM_006949.2); short protein forms Y165C, Y154C, Y151C.
Identifiers: ClinVar variation 1398912 (VCV001398912.8), dbSNP rs1360171674, ClinGen allele CA403158269.